The following is an entry in ClinVar:

NM_032242.4(PLXNA1):c.603G>T (p.Leu201=)

Gene: PLXNA1 (plexin A1; plus strand). Cytogenetic location: 3q21.3.
Variant type: single nucleotide variant.
Coding change: c.603G>T on transcript NM_032242.4 (MANE Select); coding-DNA position 603, G replaced by T.
Protein change: p.Leu201=; no amino-acid change (leucine 201 retained).
Molecular consequence: synonymous variant.
Genome position (GRCh38, 1-based): chr3:126,989,196, G>T. VCF-style: chr3-126989196-G-T. GRCh37 (hg19) VCF-style: chr3-126708039-G-T.
Identifiers: ClinVar variation 4997278 (VCV004997278.1).

ClinVar aggregate classification (germline): Likely benign (1 of 4 stars; one submission).

Conditions:
PLXNA1-related disorder. Also called: PLXNA1-related condition.

Submission:

PreventionGenetics, part of Exact Sciences
Classification: Likely benign for PLXNA1-related condition. Last evaluated: 2025-07-28. Review status: criteria provided, single submitter. Criteria: ACMG Guidelines, 2015. Collection method: clinical testing. Allele origin: germline.
Comment: This variant is classified as likely benign based on ACMG/AMP sequence variant interpretation guidelines (Richards et al. 2015 PMID: 25741868, with internal and published modifications).